The following is an entry in ClinVar:

NM_004991.4(MECOM):c.2975A>G (p.Asn992Ser)

Gene: MECOM (MDS1 and EVI1 complex locus; minus strand). Cytogenetic location: 3q26.2.
Variant type: single nucleotide variant.
Coding change: c.2975A>G on transcript NM_004991.4 (MANE Select); coding-DNA position 2975, A replaced by G.
Protein change: p.Asn992Ser; replaces asparagine 992 with serine.
Molecular consequence: missense variant.
Genome position (GRCh38, 1-based): chr3:169,095,120, T>C on the plus strand (A>G on the coding strand, the complement: MECOM is on the minus strand). VCF-style: chr3-169095120-T-C. GRCh37 (hg19) VCF-style: chr3-168812908-T-C.
Other names: c.2606A>G, p.Asn869Ser (NM_001105077.4); c.2411A>G, p.Asn804Ser (NM_001105078.4, NM_001205194.2, NM_001366469.2 and 1 more transcripts); c.2387A>G, p.Asn796Ser (NM_001163999.2, NM_001366470.2); c.2384A>G, p.Asn795Ser (NM_001164000.2, NM_001366471.2, NM_001366472.2); c.2948A>G, p.Asn983Ser (NM_001366466.2); c.2414A>G, p.Asn805Ser (NM_001366467.2, NM_001366468.2); c.1976A>G, p.Asn659Ser (NM_001366473.2); c.1412A>G, p.Asn471Ser (NM_001366474.2); short protein forms N471S, N659S, N795S, N796S, N804S, N805S, N869S, N983S.
Identifiers: ClinVar variation 4859776 (VCV004859776.1).

ClinVar aggregate classification (germline): Uncertain significance (1 of 4 stars; one submission).

Conditions:
Inborn genetic diseases. Identifiers: MedGen C0950123, MeSH D030342.

gnomAD v4.1: 5 of 1,613,030 alleles (0.00031%); highest among the groups gnomAD compares: Non-Finnish European, 0.00034%; no homozygotes.

Submission:

Ambry Genetics
Classification: Uncertain significance for Inborn genetic diseases. Last evaluated: 2026-05-14. Review status: criteria provided, single submitter. Criteria: Ambry Variant Classification Scheme 2023. Collection method: clinical testing. Allele origin: germline.
Comment: The p.N992S variant (also known as c.2975A>G), located in coding exon 13 of the MECOM gene, results from an A to G substitution at nucleotide position 2975. The asparagine at codon 992 is replaced by serine, an amino acid with highly similar properties. This amino acid position is conserved. In addition, this alteration is predicted to be tolerated by in silico analysis. Based on the available evidence, the clinical significance of this variant remains unclear.